The following is an entry in ClinVar:

NM_005475.3(SH2B3):c.1550G>C (p.Gly517Ala)

Gene: SH2B3 (SH2B adaptor protein 3; plus strand). Cytogenetic location: 12q24.12.
Variant type: single nucleotide variant.
Coding change: c.1550G>C on transcript NM_005475.3 (MANE Select); coding-DNA position 1550, G replaced by C.
Protein change: p.Gly517Ala; replaces glycine 517 with alanine.
Molecular consequence: missense variant.
Genome position (GRCh38, 1-based): chr12:111,448,124, G>C. VCF-style: chr12-111448124-G-C. GRCh37 (hg19) VCF-style: chr12-111885928-G-C.
Other names: c.944G>C, p.Gly315Ala (NM_001291424.1); short protein forms G517A, G315A.
Identifiers: ClinVar variation 3953388 (VCV003953388.1).
Genomic context (GRCh38, chr12:111,448,124, plus strand): 5'-GCCTTCCCCACCTTAGTTCTTCTGGCTGTCCCCGGGGGCTCAGCCCAGAGGGTCTCCCAG[G>C]GCGATCCTCACCCCCCGAGCAGATCTTCCACCTGGTGCCTTCGCCCGAAGAACTGGCCAA-3'
Protein context (NP_005466.1, residues 507-527): PRGLSPEGLP[Gly517Ala]RSSPPEQIFH

ClinVar aggregate classification (germline): Uncertain significance (1 of 4 stars; one submission).

Conditions:
Inborn genetic diseases. Identifiers: MedGen C0950123, MeSH D030342.

Submission:

Ambry Genetics
Classification: Uncertain significance for Inborn genetic diseases. Last evaluated: 2025-03-27. Review status: criteria provided, single submitter. Criteria: Ambry Variant Classification Scheme 2023. Collection method: clinical testing. Allele origin: germline.
Comment: The p.G517A variant (also known as c.1550G>C), located in coding exon 7 of the SH2B3 gene, results from a G to C substitution at nucleotide position 1550. The glycine at codon 517 is replaced by alanine, an amino acid with similar properties. This amino acid position is conserved. In addition, this alteration is predicted to be tolerated by in silico analysis. Based on the available evidence, the clinical significance of this variant remains unclear.